The following is an entry in ClinVar:

ClinVar aggregate classification (germline): Uncertain significance. Review status: criteria provided, multiple submitters, no conflicts (2 of 4 stars). 3 submissions from 3 submitters: Uncertain significance (3). Last evaluated 2025-11-09.

Conditions:
RAI1-related disorder. Also called: RAI1-related condition.

Allele frequency attached by ClinVar (database versions not stated): TOPMed 0.00001.
gnomAD v4.1: 3 of 1,584,828 alleles (0.00019%); highest among the groups gnomAD compares: African/African-American, 0.0013%; no homozygotes.

Submissions (3):

Labcorp Genetics (formerly Invitae), Labcorp
Classification: Uncertain significance. Last evaluated: 2025-11-09. Review status: criteria provided, single submitter. Criteria: Invitae Variant Classification Sherloc (09022015). Collection method: clinical testing. Allele origin: germline.
Comment: This sequence change replaces serine, which is neutral and polar, with cysteine, which is neutral and slightly polar, at codon 846 of the RAI1 protein (p.Ser846Cys). This variant is not present in population databases (gnomAD no frequency). This variant has not been reported in the literature in individuals affected with RAI1-related conditions. ClinVar contains an entry for this variant (Variation ID: 2663190). Invitae Evidence Modeling of protein sequence and biophysical properties (such as structural, functional, and spatial information, amino acid conservation, physicochemical variation, residue mobility, and thermodynamic stability) indicates that this missense variant is not expected to disrupt RAI1 protein function with a negative predictive value of 80%. In summary, the available evidence is currently insufficient to determine the role of this variant in disease. Therefore, it has been classified as a Variant of Uncertain Significance.

PreventionGenetics, part of Exact Sciences
Classification: Uncertain significance for RAI1-related condition. Last evaluated: 2025-07-29. Review status: criteria provided, single submitter. Criteria: ACMG Guidelines, 2015. Collection method: clinical testing. Allele origin: germline.
Comment: The RAI1 c.2537C>G variant is predicted to result in the amino acid substitution p.Ser846Cys. To our knowledge, this variant has not been reported in the literature or in a large population database gnomAD, indicating this variant is rare. At this time, the clinical significance of this variant is uncertain due to the absence of conclusive functional and genetic evidence.

GeneDx
Classification: Uncertain significance. Last evaluated: 2023-04-11. Review status: criteria provided, single submitter. Criteria: GeneDx Variant Classification Process June 2021. Collection method: clinical testing. Allele origin: germline. Affected: yes.
Comment: Not observed at significant frequency in large population cohorts (gnomAD); In silico analysis supports that this missense variant has a deleterious effect on protein structure/function; Has not been previously published as pathogenic or benign to our knowledge

NM_030665.4(RAI1):c.2537C>G (p.Ser846Cys)

Gene: RAI1 (retinoic acid induced 1; plus strand). Cytogenetic location: 17p11.2.
Variant type: single nucleotide variant.
Coding change: c.2537C>G on transcript NM_030665.4 (MANE Select); coding-DNA position 2537, C replaced by G.
Protein change: p.Ser846Cys; replaces serine 846 with cysteine.
Molecular consequence: missense variant.
Genome position (GRCh38, 1-based): chr17:17,795,485, C>G. VCF-style: chr17-17795485-C-G. GRCh37 (hg19) VCF-style: chr17-17698799-C-G.
Other names: short protein forms S846C.
Identifiers: ClinVar variation 2663190 (VCV002663190.3), dbSNP rs1482960040, ClinGen allele CA398551463.